The following is an entry in ClinVar:

NM_005214.5(CTLA4):c.187C>T (p.Pro63Ser)

Gene: CTLA4 (cytotoxic T-lymphocyte associated protein 4; plus strand). Cytogenetic location: 2q33.2.
Variant type: single nucleotide variant.
Coding change: c.187C>T on transcript NM_005214.5 (MANE Select); coding-DNA position 187, C replaced by T.
Protein change: p.Pro63Ser; replaces proline 63 with serine.
Molecular consequence: missense variant.
Genome position (GRCh38, 1-based): chr2:203,870,663, C>T. VCF-style: chr2-203870663-C-T. GRCh37 (hg19) VCF-style: chr2-204735386-C-T.
Other names: c.187C>T, p.Pro63Ser (NM_001037631.3); short protein forms P63S.
Identifiers: ClinVar variation 3391700 (VCV003391700.1).

ClinVar aggregate classification (germline): Uncertain significance (1 of 4 stars; one submission).

Submission:

GeneDx
Classification: Uncertain significance. Last evaluated: 2024-06-22. Review status: criteria provided, single submitter. Criteria: GeneDx Variant Classification Process June 2021. Collection method: clinical testing. Allele origin: germline. Affected: yes.
Comment: Not observed at significant frequency in large population cohorts (gnomAD); In silico analysis indicates that this missense variant does not alter protein structure/function; Has not been previously published as pathogenic or benign to our knowledge